The following is an entry in ClinVar:

NM_000089.4(COL1A2):c.3526+5G>T

Gene: COL1A2 (collagen type I alpha 2 chain; plus strand). Cytogenetic location: 7q21.3.
Variant type: single nucleotide variant.
Coding change: c.3526+5G>T on transcript NM_000089.4 (MANE Select); 5 bases into the intron after coding-DNA position 3526, G replaced by T.
Molecular consequence: intron variant.
Genome position (GRCh38, 1-based): chr7:94,427,890, G>T. VCF-style: chr7-94427890-G-T. GRCh37 (hg19) VCF-style: chr7-94057202-G-T.
Identifiers: ClinVar variation 3907529 (VCV003907529.1).

ClinVar aggregate classification (germline): Uncertain significance (1 of 4 stars; one submission).

gnomAD v4.1: 4 of 1,613,838 alleles (0.00025%); highest among the groups gnomAD compares: Non-Finnish European, 0.00017%; no homozygotes.

Submission:

Women's Health and Genetics/Laboratory Corporation of America, LabCorp
Classification: Uncertain significance. Last evaluated: 2025-06-26. Review status: criteria provided, single submitter. Criteria: LabCorp Variant Classification Summary - May 2015. Collection method: clinical testing. Allele origin: germline.
Comment: Variant summary: COL1A2 c.3526+5G>T alters a conserved nucleotide located close to a canonical splice site and therefore could affect mRNA splicing, leading to a significantly altered protein sequence. Several computational tools predict a significant impact on normal splicing: Three predict the variant abolishes a 5' splicing donor site and one predicts the variant weakens the 5' donor site. However, these predictions have yet to be confirmed by functional studies. The variant allele was found at a frequency of 4e-06 in 249666 control chromosomes. The available data on variant occurrences in the general population are insufficient to allow any conclusion about variant significance. To our knowledge, no occurrence of c.3526+5G>T in individuals affected with Ehlers-Danlos syndrome or other COL1A2-related disorders and no experimental evidence demonstrating its impact on protein function have been reported. No submitters have cited clinical-significance assessments for this variant to ClinVar. Based on the evidence outlined above, the variant was classified as uncertain significance.